The following is an entry in ClinVar:

ClinVar aggregate classification (germline): Uncertain significance (1 of 4 stars; one submission).

Conditions:
CTTNBP2-related disorder. Also called: CTTNBP2-related condition.

Allele frequency attached by ClinVar (database versions not stated): gnomAD exomes below 0.00001; TOPMed below 0.00001; gnomAD 0.00001.

Submission:

PreventionGenetics, part of Exact Sciences
Classification: Uncertain significance for CTTNBP2-related condition. Last evaluated: 2022-12-21. Review status: criteria provided, single submitter. Criteria: ACMG Guidelines, 2015. Collection method: clinical testing. Allele origin: germline.
Comment: The CTTNBP2 c.2732G>A variant is predicted to result in the amino acid substitution p.Arg911Lys. To our knowledge, this variant has not been reported in the literature or in a large population database, indicating this variant is rare. At this time, the clinical significance of this variant is uncertain due to the absence of conclusive functional and genetic evidence.

NM_033427.3(CTTNBP2):c.2732G>A (p.Arg911Lys)

Gene: CTTNBP2 (cortactin binding protein 2; minus strand). Cytogenetic location: 7q31.31.
Variant type: single nucleotide variant.
Coding change: c.2732G>A on transcript NM_033427.3 (MANE Select); coding-DNA position 2732, G replaced by A.
Protein change: p.Arg911Lys; replaces arginine 911 with lysine.
Molecular consequence: missense variant.
Genome position (GRCh38, 1-based): chr7:117,777,557, C>T on the plus strand (G>A on the coding strand, the complement: CTTNBP2 is on the minus strand). VCF-style: chr7-117777557-C-T. GRCh37 (hg19) VCF-style: chr7-117417611-C-T.
Other names: c.2678G>A, p.Arg893Lys (NM_001363349.1); c.635G>A, p.Arg212Lys (NM_001363350.1, NM_001363351.1); short protein forms R212K, R893K, R911K.
Identifiers: ClinVar variation 2628892 (VCV002628892.1), dbSNP rs1003026055, ClinGen allele CA164959554.